The following is an entry in ClinVar:

NM_020533.3(MCOLN1):c.1273G>A (p.Val425Ile)

Gene: MCOLN1 (mucolipin TRP cation channel 1; plus strand). Cytogenetic location: 19p13.2.
Variant type: single nucleotide variant.
Coding change: c.1273G>A on transcript NM_020533.3 (MANE Select); coding-DNA position 1273, G replaced by A.
Protein change: p.Val425Ile; replaces valine 425 with isoleucine.
Molecular consequence: missense variant.
Genome position (GRCh38, 1-based): chr19:7,529,626, G>A. VCF-style: chr19-7529626-G-A. GRCh37 (hg19) VCF-style: chr19-7594512-G-A.
Other names: short protein forms V425I.
Identifiers: ClinVar variation 1905175 (VCV001905175.2), dbSNP rs1427356789, ClinGen allele CA403087478.
Genomic context (GRCh38, chr19:7,529,626, plus strand): 5'-GAGGCTCCCTCTGCCCCAACCCAGATCCTCATCGCCACACTGCGGGTGGCCCTGCCCAGC[G>A]TCATGCGCTTCTGCTGCTGCGTGGCTGTCATCTACCTGGGCTACTGCTTCTGTGGCTGGA-3'
Protein context (NP_065394.1, residues 415-435): IATLRVALPS[Val425Ile]MRFCCCVAVI

ClinVar aggregate classification (germline): Uncertain significance (1 of 4 stars; one submission).

Conditions:
Mucolipidosis type IV (ML4). Also called: ML IV. Identifiers: Orphanet 578, MedGen C0238286, MONDO:0009653, OMIM 252650.

Allele frequency attached by ClinVar (database versions not stated): gnomAD exomes below 0.00001; TOPMed 0.00001.

Submission:

Labcorp Genetics (formerly Invitae), Labcorp
Classification: Uncertain significance for Mucolipidosis type IV. Last evaluated: 2021-08-13. Review status: criteria provided, single submitter. Criteria: Invitae Variant Classification Sherloc (09022015). Collection method: clinical testing. Allele origin: germline.
Comment: This sequence change replaces valine with isoleucine at codon 425 of the MCOLN1 protein (p.Val425Ile). The valine residue is highly conserved and there is a small physicochemical difference between valine and isoleucine. This variant is not present in population databases (ExAC no frequency). This variant has not been reported in the literature in individuals affected with MCOLN1-related conditions. Algorithms developed to predict the effect of missense changes on protein structure and function are either unavailable or do not agree on the potential impact of this missense change (SIFT: "Tolerated"; PolyPhen-2: "Probably Damaging"; Align-GVGD: "Class C0"). In summary, the available evidence is currently insufficient to determine the role of this variant in disease. Therefore, it has been classified as a Variant of Uncertain Significance.